The following is an entry in ClinVar:

NM_014975.3(MAST1):c.3309C>A (p.Asn1103Lys)

Gene: MAST1 (microtubule associated serine/threonine kinase 1; plus strand). Cytogenetic location: 19p13.13.
Variant type: single nucleotide variant.
Coding change: c.3309C>A on transcript NM_014975.3 (MANE Select); coding-DNA position 3309, C replaced by A.
Protein change: p.Asn1103Lys; replaces asparagine 1103 with lysine.
Molecular consequence: missense variant.
Genome position (GRCh38, 1-based): chr19:12,873,369, C>A. VCF-style: chr19-12873369-C-A. GRCh37 (hg19) VCF-style: chr19-12984183-C-A.
Other names: short protein forms N1103K.
Identifiers: ClinVar variation 2004219 (VCV002004219.4), dbSNP rs1326015238, ClinGen allele CA404286680.
Genomic context (GRCh38, chr19:12,873,369, plus strand): 5'-CTCCCTGTCCCGCAGCAAGAAGCGCAGCTCCCTCTTCCGGAAGATCACGAAGCAGTCGAA[C>A]CTGCTGCATACTAGCCGCTCGCTGTCGTCGCTGAACCGCTCGCTGTCATCCAGCGATAGT-3'
Protein context (NP_055790.1, residues 1093-1113): SLFRKITKQS[Asn1103Lys]LLHTSRSLSS

ClinVar aggregate classification (germline): Uncertain significance (1 of 4 stars; one submission).

gnomAD v4.1: 2 of 1,614,028 alleles (0.00012%); highest among the groups gnomAD compares: Non-Finnish European, 0.000085%; no homozygotes.

Submission:

Labcorp Genetics (formerly Invitae), Labcorp
Classification: Uncertain significance. Last evaluated: 2022-06-20. Review status: criteria provided, single submitter. Criteria: Invitae Variant Classification Sherloc (09022015). Collection method: clinical testing. Allele origin: germline.
Comment: In summary, the available evidence is currently insufficient to determine the role of this variant in disease. Therefore, it has been classified as a Variant of Uncertain Significance. Algorithms developed to predict the effect of missense changes on protein structure and function (SIFT, PolyPhen-2, Align-GVGD) all suggest that this variant is likely to be tolerated. This variant has not been reported in the literature in individuals affected with MAST1-related conditions. This variant is not present in population databases (gnomAD no frequency). This sequence change replaces asparagine, which is neutral and polar, with lysine, which is basic and polar, at codon 1103 of the MAST1 protein (p.Asn1103Lys).